The following is an entry in ClinVar:

NM_001853.4(COL9A3):c.99C>A (p.Pro33=)

Gene: COL9A3 (collagen type IX alpha 3 chain; plus strand). Cytogenetic location: 20q13.33.
Variant type: single nucleotide variant.
Coding change: c.99C>A on transcript NM_001853.4 (MANE Select); coding-DNA position 99, C replaced by A.
Protein change: p.Pro33=; no amino-acid change (proline 33 retained).
Molecular consequence: synonymous variant.
Genome position (GRCh38, 1-based): chr20:62,817,587, C>A. VCF-style: chr20-62817587-C-A. GRCh37 (hg19) VCF-style: chr20-61448939-C-A.
Identifiers: ClinVar variation 1136477 (VCV001136477.14), dbSNP rs772387433, ClinGen allele CA9949003.

ClinVar aggregate classification (germline): Likely benign. Review status: criteria provided, multiple submitters, no conflicts (2 of 4 stars). 3 submissions from 3 submitters: Likely benign (3). Last evaluated 2026-06-01.

Allele frequency attached by ClinVar (database versions not stated): TOPMed 0.00010; gnomAD exomes 0.00022.
gnomAD v4.1: 42 of 1,546,742 alleles (0.0027%); highest among the groups gnomAD compares: Admixed American, 0.081%; no homozygotes.

Submissions (3):

CeGaT Center for Human Genetics Tuebingen
Classification: Likely benign. Last evaluated: 2026-06-01. Review status: criteria provided, single submitter. Criteria: CeGaT Center For Human Genetics Tuebingen Variant Classification Criteria Version 2. Collection method: clinical testing. Allele origin: germline. Affected: yes. Observed: 2 variant alleles.
Comment: COL9A3: BP4, BP7

Labcorp Genetics (formerly Invitae), Labcorp
Classification: Likely benign. Last evaluated: 2026-01-18. Review status: criteria provided, single submitter. Criteria: Invitae Variant Classification Sherloc (09022015). Collection method: clinical testing. Allele origin: germline.

Blueprint Genetics
Classification: Likely benign. Last evaluated: 2023-11-27. Review status: criteria provided, single submitter. Criteria: ACMG Guidelines, 2015. Collection method: clinical testing. Allele origin: germline.